The following is an entry in ClinVar:

NM_001040108.2(MLH3):c.2741T>A (p.Val914Glu)

Gene: MLH3 (mutL homolog 3; minus strand). Cytogenetic location: 14q24.3.
Variant type: single nucleotide variant.
Coding change: c.2741T>A on transcript NM_001040108.2 (MANE Select); coding-DNA position 2741, T replaced by A.
Protein change: p.Val914Glu; replaces valine 914 with glutamic acid.
Molecular consequence: missense variant.
Genome position (GRCh38, 1-based): chr14:75,046,915, A>T on the plus strand (T>A on the coding strand, the complement: MLH3 is on the minus strand). VCF-style: chr14-75046915-A-T. GRCh37 (hg19) VCF-style: chr14-75513618-A-T.
Other names: c.2741T>A, p.Val914Glu (NM_014381.3); short protein forms V914E.
Identifiers: ClinVar variation 1795444 (VCV001795444.7), dbSNP rs1892274301, ClinGen allele CA390438744.

ClinVar aggregate classification (germline): Uncertain significance. Review status: criteria provided, multiple submitters, no conflicts (2 of 4 stars). 2 submissions from 2 submitters: Uncertain significance (2). Last evaluated 2022-07-26.

Conditions:
Colorectal cancer, hereditary nonpolyposis, type 7. Identifiers: Orphanet 144, MedGen C1858380, MONDO:0013725, OMIM 614385.

Allele frequency attached by ClinVar (database versions not stated): gnomAD exomes below 0.00001.
gnomAD v4.1: 1 of 1,614,096 alleles (0.000062%); highest among the groups gnomAD compares: Non-Finnish European, 0.000085%; no homozygotes.

Submissions (2):

Ambry Genetics
Classification: Uncertain significance. Last evaluated: 2022-07-26. Review status: criteria provided, single submitter. Criteria: Ambry Variant Classification Scheme 2023. Collection method: clinical testing. Allele origin: germline.
Comment: The p.V914E variant (also known as c.2741T>A), located in coding exon 1 of the MLH3 gene, results from a T to A substitution at nucleotide position 2741. The valine at codon 914 is replaced by glutamic acid, an amino acid with dissimilar properties. This amino acid position is conserved. In addition, this alteration is predicted to be tolerated by in silico analysis. Since supporting evidence is limited at this time, the clinical significance of this alteration remains unclear.

Labcorp Genetics (formerly Invitae), Labcorp
Classification: Uncertain significance for Colorectal cancer, hereditary nonpolyposis, type 7. Last evaluated: 2022-05-20. Review status: criteria provided, single submitter. Criteria: Invitae Variant Classification Sherloc (09022015). Collection method: clinical testing. Allele origin: germline.
Comment: In summary, the available evidence is currently insufficient to determine the role of this variant in disease. Therefore, it has been classified as a Variant of Uncertain Significance. Algorithms developed to predict the effect of missense changes on protein structure and function (SIFT, PolyPhen-2, Align-GVGD) all suggest that this variant is likely to be tolerated. This variant has not been reported in the literature in individuals affected with MLH3-related conditions. This variant is not present in population databases (gnomAD no frequency). This sequence change replaces valine, which is neutral and non-polar, with glutamic acid, which is acidic and polar, at codon 914 of the MLH3 protein (p.Val914Glu).